The following is an entry in ClinVar:

ClinVar aggregate classification (germline): Uncertain significance (1 of 4 stars; one submission).

Allele frequency attached by ClinVar (database versions not stated): gnomAD exomes below 0.00001; TOPMed below 0.00001; gnomAD 0.00001.
gnomAD v4.1: 2 of 1,613,766 alleles (0.00012%); highest among the groups gnomAD compares: Non-Finnish European, 0.00017%; no homozygotes.

Submission:

Labcorp Genetics (formerly Invitae), Labcorp
Classification: Uncertain significance. Last evaluated: 2022-06-28. Review status: criteria provided, single submitter. Criteria: Invitae Variant Classification Sherloc (09022015). Collection method: clinical testing. Allele origin: germline.
Comment: Algorithms developed to predict the effect of missense changes on protein structure and function (SIFT, PolyPhen-2, Align-GVGD) all suggest that this variant is likely to be disruptive. Algorithms developed to predict the effect of sequence changes on RNA splicing suggest that this variant may create or strengthen a splice site. In summary, the available evidence is currently insufficient to determine the role of this variant in disease. Therefore, it has been classified as a Variant of Uncertain Significance. This variant has not been reported in the literature in individuals affected with LAT-related conditions. This variant is not present in population databases (gnomAD no frequency). This sequence change replaces aspartic acid, which is acidic and polar, with tyrosine, which is neutral and polar, at codon 119 of the LAT protein (p.Asp119Tyr).

NM_001014987.2(LAT):c.355G>T (p.Asp119Tyr)

Gene: LAT (linker for activation of T cells; plus strand). Cytogenetic location: 16p11.2.
Variant type: single nucleotide variant.
Coding change: c.355G>T on transcript NM_001014987.2 (MANE Select); coding-DNA position 355, G replaced by T.
Protein change: p.Asp119Tyr; replaces aspartic acid 119 with tyrosine.
Molecular consequence: missense variant.
Genome position (GRCh38, 1-based): chr16:28,986,671, G>T. VCF-style: chr16-28986671-G-T. GRCh37 (hg19) VCF-style: chr16-28997992-G-T.
Other names: c.352G>T, p.Asp118Tyr (NM_001014988.2); c.463G>T, p.Asp155Tyr (NM_001014989.2); c.442G>T, p.Asp148Tyr (NM_014387.4); short protein forms D119Y, D118Y, D148Y, D155Y.
Identifiers: ClinVar variation 1465311 (VCV001465311.6), dbSNP rs1345953905, ClinGen allele CA395441719.
Genomic context (GRCh38, chr16:28,986,671, plus strand): 5'-TGGGGTCCGTCCTGGACTAGGCTGACCCCTGTGTCGTTACCCCCAGAACCAGCCTGTGAG[G>T]ATGCGGATGAGGATGAGGACGACTATCACAACCCAGGCTACCTGTGAGTGGCCAGGTGGG-3'
Protein context (NP_001014987.1, residues 109-129): SYENEEPACE[Asp119Tyr]ADEDEDDYHN